The following is an entry in ClinVar:

NM_005120.3(MED12):c.4763T>C (p.Val1588Ala)

Gene: MED12 (mediator complex subunit 12; plus strand). Cytogenetic location: Xq13.1.
Variant type: single nucleotide variant.
Coding change: c.4763T>C on transcript NM_005120.3 (MANE Select); coding-DNA position 4763, T replaced by C.
Protein change: p.Val1588Ala; replaces valine 1588 with alanine.
Molecular consequence: missense variant.
Genome position (GRCh38, 1-based): chrX:71,134,748, T>C. VCF-style: chrX-71134748-T-C. GRCh37 (hg19) VCF-style: chrX-70354598-T-C.
Other names: short protein forms V1588A.
Identifiers: ClinVar variation 3224586 (VCV003224586.1), dbSNP rs2519707671, ClinGen allele CA413532259.

ClinVar aggregate classification (germline): Uncertain significance (1 of 4 stars; one submission).

Conditions:
Familial thoracic aortic aneurysm and aortic dissection (TAAD). Also called: Thoracic aortic aneurysms and dissections. Identifiers: Orphanet 91387, MedGen C4707243, MONDO:0019625.

Submission:

Ambry Genetics
Classification: Uncertain significance for Familial thoracic aortic aneurysm and aortic dissection. Last evaluated: 2023-11-05. Review status: criteria provided, single submitter. Criteria: Ambry Variant Classification Scheme 2023. Collection method: clinical testing. Allele origin: germline.
Comment: The p.V1588A variant (also known as c.4763T>C), located in coding exon 35 of the MED12 gene, results from a T to C substitution at nucleotide position 4763. The valine at codon 1588 is replaced by alanine, an amino acid with similar properties. This amino acid position is conserved. In addition, this alteration is predicted to be deleterious by in silico analysis. Since supporting evidence is limited at this time, the clinical significance of this alteration remains unclear.